The following is an entry in ClinVar:

ClinVar aggregate classification (germline): Uncertain significance (1 of 4 stars; one submission).

Conditions:
Dyskeratosis congenita. Identifiers: Orphanet 1775, MedGen C0265965, MONDO:0015780.

Submission:

Labcorp Genetics (formerly Invitae), Labcorp
Classification: Uncertain significance for Dyskeratosis congenita. Last evaluated: 2024-01-22. Review status: criteria provided, single submitter. Criteria: Invitae Variant Classification Sherloc (09022015). Collection method: clinical testing. Allele origin: germline.
Comment: This sequence change replaces lysine, which is basic and polar, with threonine, which is neutral and polar, at codon 443 of the DKC1 protein (p.Lys443Thr). This variant is not present in population databases (gnomAD no frequency). This variant has not been reported in the literature in individuals affected with DKC1-related conditions. Advanced modeling of protein sequence and biophysical properties (such as structural, functional, and spatial information, amino acid conservation, physicochemical variation, residue mobility, and thermodynamic stability) performed at Invitae indicates that this missense variant is not expected to disrupt DKC1 protein function with a negative predictive value of 80%. In summary, the available evidence is currently insufficient to determine the role of this variant in disease. Therefore, it has been classified as a Variant of Uncertain Significance.

NM_001363.5(DKC1):c.1328A>C (p.Lys443Thr)

Gene: DKC1 (dyskerin pseudouridine synthase 1; plus strand). Cytogenetic location: Xq28.
Variant type: single nucleotide variant.
Coding change: c.1328A>C on transcript NM_001363.5 (MANE Select); coding-DNA position 1328, A replaced by C.
Protein change: p.Lys443Thr; replaces lysine 443 with threonine.
Molecular consequence: missense variant. On other transcripts: 3 prime UTR variant (1), non-coding transcript variant (3).
Genome position (GRCh38, 1-based): chrX:154,775,263, A>C. VCF-style: chrX-154775263-A-C. GRCh37 (hg19) VCF-style: chrX-154003538-A-C.
Other names: c.1313A>C, p.Lys438Thr (NM_001142463.3); c.*554A>C (NM_001288747.2); short protein forms K443T, K438T.
Identifiers: ClinVar variation 2803210 (VCV002803210.3), dbSNP rs2523706271, ClinGen allele CA414899150.